The following is an entry in ClinVar:

ClinVar aggregate classification (germline): Uncertain significance. Review status: criteria provided, multiple submitters, no conflicts (2 of 4 stars). 2 submissions from 2 submitters: Uncertain significance (2). Last evaluated 2026-03-07.

Conditions:
Hereditary cancer-predisposing syndrome. Also called: Hereditary neoplastic syndrome; Tumor predisposition; Neoplastic Syndromes, Hereditary; Hereditary Cancer Syndrome. Identifiers: Orphanet 140162, MedGen C0027672, MeSH D009386, MONDO:0015356.

gnomAD v4.1: 1 of 1,614,046 alleles (0.000062%); highest among the groups gnomAD compares: African/African-American, 0.0013%; no homozygotes.

Submissions (2):

Ambry Genetics
Classification: Uncertain significance for Hereditary cancer-predisposing syndrome. Last evaluated: 2026-03-07. Review status: criteria provided, single submitter. Criteria: Ambry Variant Classification Scheme 2023. Collection method: clinical testing. Allele origin: germline.
Comment: The p.T1279A variant (also known as c.3835A>G), located in coding exon 18 of the MET gene, results from an A to G substitution at nucleotide position 3835. The threonine at codon 1279 is replaced by alanine, an amino acid with similar properties. This amino acid position is conserved. In addition, this alteration is predicted to be deleterious by in silico analysis. Based on the available evidence, the clinical significance of this variant remains unclear.

GeneDx
Classification: Uncertain significance. Last evaluated: 2024-02-05. Review status: criteria provided, single submitter. Criteria: GeneDx Variant Classification Process June 2021. Collection method: clinical testing. Allele origin: germline. Affected: yes.
Comment: Not observed at significant frequency in large population cohorts (gnomAD); In silico analysis supports that this missense variant has a deleterious effect on protein structure/function; Has not been previously published as pathogenic or benign to our knowledge

NM_000245.4(MET):c.3781A>G (p.Thr1261Ala)

Gene: MET (MET proto-oncogene, receptor tyrosine kinase; plus strand). Cytogenetic location: 7q31.2.
Variant type: single nucleotide variant.
Coding change: c.3781A>G on transcript NM_000245.4 (MANE Select); coding-DNA position 3781, A replaced by G.
Protein change: p.Thr1261Ala; replaces threonine 1261 with alanine.
Molecular consequence: missense variant.
Genome position (GRCh38, 1-based): chr7:116,783,452, A>G. VCF-style: chr7-116783452-A-G. GRCh37 (hg19) VCF-style: chr7-116423506-A-G.
Other names: c.3835A>G, p.Thr1279Ala (NM_001127500.3); c.2491A>G, p.Thr831Ala (NM_001324402.2); short protein forms T1261A, T1279A, T831A.
Identifiers: ClinVar variation 3368854 (VCV003368854.2).